The following is an entry in ClinVar:

ClinVar aggregate classification (germline): Uncertain significance (1 of 4 stars; one submission).

Allele frequency attached by ClinVar (database versions not stated): gnomAD exomes below 0.00001; gnomAD 0.00001; TOPMed 0.00001.
gnomAD v4.1: 3 of 1,614,110 alleles (0.00019%); highest among the groups gnomAD compares: Middle Eastern, 0.016%; no homozygotes.

Submission:

Labcorp Genetics (formerly Invitae), Labcorp
Classification: Uncertain significance. Last evaluated: 2022-09-01. Review status: criteria provided, single submitter. Criteria: Invitae Variant Classification Sherloc (09022015). Collection method: clinical testing. Allele origin: germline.
Comment: This variant is not present in population databases (gnomAD no frequency). In summary, the available evidence is currently insufficient to determine the role of this variant in disease. Therefore, it has been classified as a Variant of Uncertain Significance. Advanced modeling of protein sequence and biophysical properties (such as structural, functional, and spatial information, amino acid conservation, physicochemical variation, residue mobility, and thermodynamic stability) performed at Invitae indicates that this missense variant is not expected to disrupt ABCA1 protein function. ClinVar contains an entry for this variant (Variation ID: 1514425). This variant has not been reported in the literature in individuals affected with ABCA1-related conditions. This sequence change replaces asparagine, which is neutral and polar, with serine, which is neutral and polar, at codon 328 of the ABCA1 protein (p.Asn328Ser).

NM_005502.4(ABCA1):c.983A>G (p.Asn328Ser)

Gene: ABCA1 (ATP binding cassette subfamily A member 1; minus strand). Cytogenetic location: 9q31.1.
Variant type: single nucleotide variant.
Coding change: c.983A>G on transcript NM_005502.4 (MANE Select); coding-DNA position 983, A replaced by G.
Protein change: p.Asn328Ser; replaces asparagine 328 with serine.
Molecular consequence: missense variant.
Genome position (GRCh38, 1-based): chr9:104,840,350, T>C on the plus strand (A>G on the coding strand, the complement: ABCA1 is on the minus strand). VCF-style: chr9-104840350-T-C. GRCh37 (hg19) VCF-style: chr9-107602631-T-C.
Other names: short protein forms N328S.
Identifiers: ClinVar variation 1514425 (VCV001514425.8), dbSNP rs1015644827, ClinGen allele CA197404104.